The following is an entry in ClinVar:

NM_000181.4(GUSB):c.532C>A (p.Pro178Thr)

Gene: GUSB (glucuronidase beta; minus strand). Cytogenetic location: 7q11.21.
Variant type: single nucleotide variant.
Coding change: c.532C>A on transcript NM_000181.4 (MANE Select); coding-DNA position 532, C replaced by A.
Protein change: p.Pro178Thr; replaces proline 178 with threonine.
Molecular consequence: missense variant. On other transcripts: non-coding transcript variant (1), intron variant (3).
Genome position (GRCh38, 1-based): chr7:65,979,776, G>T on the plus strand (C>A on the coding strand, the complement: GUSB is on the minus strand). VCF-style: chr7-65979776-G-T. GRCh37 (hg19) VCF-style: chr7-65444763-G-T.
Other names: c.67+448C>A (NM_001293105.2); c.12-235C>A (NM_001293104.2); c.474+58C>A (NM_001284290.2); short protein forms P178T.
Identifiers: ClinVar variation 909653 (VCV000909653.6), dbSNP rs11559281, ClinGen allele CA4276616.
Genomic context (GRCh38, chr7:65,979,776, plus strand): 5'-ATGGTACCCACTTGGAGGTGTCAGTCAGGTATTGGATGGTCCCTGGTGGCAGGGTGGTGG[G>T]GGTGAGTGTGTTGTTGATGGCGATAGTGATTCGGAGCCGGGAGGGCAGGGGCCCCACCTG-3'
Protein context (NP_000172.2, residues 168-188): ITIAINNTLT[Pro178Thr]TTLPPGTIQY

ClinVar aggregate classification (germline): Uncertain significance. Review status: criteria provided, multiple submitters, no conflicts (2 of 4 stars). 3 submissions from 3 submitters: Uncertain significance (3). Last evaluated 2022-12-28.

Conditions:
Inborn genetic diseases. Identifiers: MedGen C0950123, MeSH D030342.
Mucopolysaccharidosis type 7 (MPS7). Also called: GUSB DEFICIENCY; SLY SYNDROME; BETA-GLUCURONIDASE DEFICIENCY; MPS VII. Identifiers: Orphanet 584, MedGen C0085132, MONDO:0009662, OMIM 253220.

Allele frequency attached by ClinVar (database versions not stated): ExAC 0.00002; TOPMed 0.00003; gnomAD 0.00005.
gnomAD v4.1: 127 of 1,613,702 alleles (0.0079%); highest among the groups gnomAD compares: Non-Finnish European, 0.0094%; no homozygotes.

Submissions (3):

Ambry Genetics
Classification: Uncertain significance for Inborn genetic diseases. Last evaluated: 2022-12-28. Review status: criteria provided, single submitter. Criteria: Ambry Variant Classification Scheme 2023. Collection method: clinical testing. Allele origin: germline.

Labcorp Genetics (formerly Invitae), Labcorp
Classification: Uncertain significance for Mucopolysaccharidosis type 7. Last evaluated: 2022-07-05. Review status: criteria provided, single submitter. Criteria: Invitae Variant Classification Sherloc (09022015). Collection method: clinical testing. Allele origin: germline.
Comment: This sequence change replaces proline, which is neutral and non-polar, with threonine, which is neutral and polar, at codon 178 of the GUSB protein (p.Pro178Thr). This variant is present in population databases (rs11559281, gnomAD 0.004%). This variant has not been reported in the literature in individuals affected with GUSB-related conditions. ClinVar contains an entry for this variant (Variation ID: 909653). Algorithms developed to predict the effect of missense changes on protein structure and function are either unavailable or do not agree on the potential impact of this missense change (SIFT: "Tolerated"; PolyPhen-2: "Possibly Damaging"; Align-GVGD: "Class C0"). Algorithms developed to predict the effect of sequence changes on RNA splicing suggest that this variant may disrupt the consensus splice site. In summary, the available evidence is currently insufficient to determine the role of this variant in disease. Therefore, it has been classified as a Variant of Uncertain Significance.

Illumina Laboratory Services, Illumina
Classification: Uncertain significance for Mucopolysaccharidosis type 7. Last evaluated: 2018-01-12. Review status: criteria provided, single submitter. Criteria: ICSL Variant Classification Criteria 13 December 2019. Collection method: clinical testing. Allele origin: germline.